The following is an entry in ClinVar:

ClinVar aggregate classification (germline): Likely benign. Review status: criteria provided, single submitter (1 of 4 stars). 2 submissions from 2 submitters: Likely benign (1). 1 of the submissions does not count toward it. Last evaluated 2025-12-14.

Conditions:
TFRC-related disorder. Also called: TFRC-related condition.

Allele frequency attached by ClinVar (database versions not stated): gnomAD exomes 0.00044 and 0.00008; 1000 Genomes Project 30x 0.00109; 1000 Genomes Project 0.00120; gnomAD 0.00017 and 0.00021; TOPMed 0.00024; ExAC 0.00035.
gnomAD v4.1: 154 of 1,613,958 alleles (0.0095%); highest among the groups gnomAD compares: East Asian, 0.3%; no homozygotes.

Submissions (2):

Labcorp Genetics (formerly Invitae), Labcorp
Classification: Likely benign. Last evaluated: 2025-12-14. Review status: criteria provided, single submitter. Criteria: Invitae Variant Classification Sherloc (09022015). Collection method: clinical testing. Allele origin: germline.

PreventionGenetics, part of Exact Sciences
Classification: Likely benign for TFRC-related condition. Last evaluated: 2019-10-28. Review status: no assertion criteria provided. Collection method: clinical testing. Allele origin: germline. Not counted in ClinVar's aggregate classification.
Comment: This variant is classified as likely benign based on ACMG/AMP sequence variant interpretation guidelines (Richards et al. 2015 PMID: 25741868, with internal and published modifications).

NM_001128148.3(TFRC):c.1009A>G (p.Ile337Val)

Gene: TFRC (transferrin receptor; minus strand). Cytogenetic location: 3q29.
Variant type: single nucleotide variant.
Coding change: c.1009A>G on transcript NM_001128148.3 (MANE Select); coding-DNA position 1009, A replaced by G.
Protein change: p.Ile337Val; replaces isoleucine 337 with valine.
Molecular consequence: missense variant.
Genome position (GRCh38, 1-based): chr3:196,067,549, T>C on the plus strand (A>G on the coding strand, the complement: TFRC is on the minus strand). VCF-style: chr3-196067549-T-C. GRCh37 (hg19) VCF-style: chr3-195794420-T-C.
Other names: c.766A>G, p.Ile256Val (NM_001313965.2); c.163A>G, p.Ile55Val (NM_001313966.2); c.1009A>G, p.Ile337Val (NM_003234.4); c.1009A>G (NM_003234.3); short protein forms I256V, I337V, I55V.
Identifiers: ClinVar variation 1554014 (VCV001554014.10), dbSNP rs41295849, ClinGen allele CA2778113.